The following is an entry in ClinVar:

ClinVar aggregate classification (germline): Pathogenic/Likely pathogenic. Review status: criteria provided, multiple submitters, no conflicts (2 of 4 stars). 2 submissions from 2 submitters: Pathogenic (1); Likely pathogenic (1). Last evaluated 2025-10-10.

Conditions:
Primary ciliary dyskinesia. Also called: Ciliary dyskinesia. Identifiers: Orphanet 244, MedGen C0008780, MONDO:0016575, HP:0012265.

Submissions (2):

Natera, Inc.
Classification: Likely pathogenic for Primary ciliary dyskinesia. Last evaluated: 2025-10-10. Review status: criteria provided, single submitter. Criteria: Natera Variant Classification Schema (03/2026). Collection method: clinical testing. Allele origin: germline.
Comment: The c.10900A>T variant in DNAH5 is a nonsense variant predicted to introduce a stop codon at amino acid 3634. This variant is expected to result in nonsense mediated decay, truncation, or a dysfunctional protein product. This variant is rare in the general population with a frequency below the threshold expected for the associated phenotype(s). Given the available evidence, this variant is classified as Likely Pathogenic.

Labcorp Genetics (formerly Invitae), Labcorp
Classification: Pathogenic for Primary ciliary dyskinesia. Last evaluated: 2023-02-22. Review status: criteria provided, single submitter. Criteria: Invitae Variant Classification Sherloc (09022015). Collection method: clinical testing. Allele origin: germline.
Comment: For these reasons, this variant has been classified as Pathogenic. This variant has not been reported in the literature in individuals affected with DNAH5-related conditions. This variant is not present in population databases (gnomAD no frequency). This sequence change creates a premature translational stop signal (p.Arg3634*) in the DNAH5 gene. It is expected to result in an absent or disrupted protein product. Loss-of-function variants in DNAH5 are known to be pathogenic (PMID: 11788826, 16627867).

Literature cited by the submitters: PubMed 11788826 (cited by Labcorp Genetics (formerly Invitae), Labcorp); PubMed 16627867 (cited by Labcorp Genetics (formerly Invitae), Labcorp).

NM_001369.3(DNAH5):c.10900A>T (p.Arg3634Ter)

Gene: DNAH5 (dynein axonemal heavy chain 5; minus strand). Cytogenetic location: 5p15.2.
Variant type: single nucleotide variant.
Coding change: c.10900A>T on transcript NM_001369.3 (MANE Select); coding-DNA position 10900, A replaced by T.
Protein change: p.Arg3634Ter; replaces arginine 3634 with a stop codon.
Molecular consequence: nonsense.
Genome position (GRCh38, 1-based): chr5:13,752,262, T>A on the plus strand (A>T on the coding strand, the complement: DNAH5 is on the minus strand). VCF-style: chr5-13752262-T-A. GRCh37 (hg19) VCF-style: chr5-13752371-T-A.
Other names: c.10900A>T (NM_001369.2); short protein forms R3634*.
Identifiers: ClinVar variation 2834349 (VCV002834349.4), dbSNP rs1204076551, ClinGen allele CA359190456.
Genomic context (GRCh38, chr5:13,752,262, plus strand): 5'-CTCCAACATCTTCAATAAGCAAAGGCCTTCCAAGAGAAAGGCTGTCTTCCAGGTGGTTTC[T>A]GAAGTACTTGTGATTTAAAGACGTGATCTAGGAACAGGATCACAAGGTTGCTATTGGCAG-3'